The following is an entry in ClinVar:

NM_206933.4(USH2A):c.10982del (p.Cys3661fs)

Gene: USH2A (usherin; minus strand). Cytogenetic location: 1q41.
Variant type: Deletion.
Coding change: c.10982del on transcript NM_206933.4 (MANE Select); coding-DNA position 10982, one base deleted (G; older notation c.10982delG).
Protein change: p.Cys3661fs; shifts the reading frame from cysteine 3661.
Molecular consequence: frameshift variant.
Genome position (GRCh38, 1-based): chr1:215,766,746, C deleted on the plus strand (G on the coding strand, the reverse complement: USH2A is on the minus strand). VCF-style (leftmost placement, unchanged base first): chr1-215766745-AC-A. GRCh37 (hg19) VCF-style: chr1-215940087-AC-A.
Other names: short protein forms C3661fs.
Identifiers: ClinVar variation 1075454 (VCV001075454.7), dbSNP rs2102748161, ClinGen allele CA2499214456.

ClinVar aggregate classification (germline): Pathogenic (1 of 4 stars; one submission).

Submission:

Labcorp Genetics (formerly Invitae), Labcorp
Classification: Pathogenic. Last evaluated: 2021-02-18. Review status: criteria provided, single submitter. Criteria: Invitae Variant Classification Sherloc (09022015). Collection method: clinical testing. Allele origin: germline.
Comment: For these reasons, this variant has been classified as Pathogenic. Loss-of-function variants in USH2A are known to be pathogenic (PMID: 10729113, 10909849, 20507924, 25649381). This variant has not been reported in the literature in individuals with USH2A-related conditions. This variant is not present in population databases (ExAC no frequency). This sequence change creates a premature translational stop signal (p.Cys3661Leufs*13) in the USH2A gene. It is expected to result in an absent or disrupted protein product.

Literature cited by the submitters: PubMed 10729113; PubMed 10909849; PubMed 20507924; PubMed 25649381.